The following is an entry in ClinVar:

NM_001999.4(FBN2):c.4231G>A (p.Glu1411Lys)

Gene: FBN2 (fibrillin 2; minus strand). Cytogenetic location: 5q23.3.
Variant type: single nucleotide variant.
Coding change: c.4231G>A on transcript NM_001999.4 (MANE Select); coding-DNA position 4231, G replaced by A.
Protein change: p.Glu1411Lys; replaces glutamic acid 1411 with lysine.
Molecular consequence: missense variant.
Genome position (GRCh38, 1-based): chr5:128,330,687, C>T on the plus strand (G>A on the coding strand, the complement: FBN2 is on the minus strand). VCF-style: chr5-128330687-C-T. GRCh37 (hg19) VCF-style: chr5-127666379-C-T.
Other names: short protein forms E1411K.
Identifiers: ClinVar variation 1349195 (VCV001349195.8), dbSNP rs866719857, ClinGen allele CA127005773.

ClinVar aggregate classification (germline): Uncertain significance (1 of 4 stars; one submission).

Conditions:
Congenital contractural arachnodactyly (CCA). Also called: Arthrogryposis, distal, type 9; BEALS SYNDROME; Beals-Hecht syndrome. Identifiers: Orphanet 115, MedGen C0220668, MONDO:0007363, OMIM 121050.

Allele frequency attached by ClinVar (database versions not stated): gnomAD exomes below 0.00001; TOPMed below 0.00001.
gnomAD v4.1: 5 of 1,613,872 alleles (0.00031%); highest among the groups gnomAD compares: Admixed American, 0.0017%; no homozygotes.

Submission:

Labcorp Genetics (formerly Invitae), Labcorp
Classification: Uncertain significance for Congenital contractural arachnodactyly. Last evaluated: 2025-04-13. Review status: criteria provided, single submitter. Criteria: Invitae Variant Classification Sherloc (09022015). Collection method: clinical testing. Allele origin: germline.
Comment: This sequence change replaces glutamic acid, which is acidic and polar, with lysine, which is basic and polar, at codon 1411 of the FBN2 protein (p.Glu1411Lys). This variant is present in population databases (no rsID available, gnomAD 0.003%). This variant has not been reported in the literature in individuals affected with FBN2-related conditions. ClinVar contains an entry for this variant (Variation ID: 1349195). Invitae Evidence Modeling of protein sequence and biophysical properties (such as structural, functional, and spatial information, amino acid conservation, physicochemical variation, residue mobility, and thermodynamic stability) indicates that this missense variant is expected to disrupt FBN2 protein function with a positive predictive value of 80%. In summary, the available evidence is currently insufficient to determine the role of this variant in disease. Therefore, it has been classified as a Variant of Uncertain Significance.